The following is an entry in ClinVar:

ClinVar aggregate classification (germline): Uncertain significance. Review status: criteria provided, multiple submitters, no conflicts (2 of 4 stars). 2 submissions from 2 submitters: Uncertain significance (2). Last evaluated 2026-07-15.

Conditions:
Hereditary cancer-predisposing syndrome. Also called: Neoplastic Syndromes, Hereditary; Hereditary Cancer Syndrome; Hereditary neoplastic syndrome; Tumor predisposition. Identifiers: Orphanet 140162, MedGen C0027672, MeSH D009386, MONDO:0015356.

Allele frequency attached by ClinVar (database versions not stated): gnomAD 0.00001; gnomAD exomes below 0.00001; TOPMed below 0.00001.
gnomAD v4.1: 3 of 1,613,650 alleles (0.00019%); highest among the groups gnomAD compares: South Asian, 0.0011%; no homozygotes.

Submissions (2):

Ambry Genetics
Classification: Uncertain significance for Hereditary cancer-predisposing syndrome. Last evaluated: 2026-07-15. Review status: criteria provided, single submitter. Criteria: Ambry Variant Classification Scheme 2023. Collection method: clinical testing. Allele origin: germline.
Comment: The p.M562V variant (also known as c.1684A>G), located in coding exon 15 of the POLE gene, results from an A to G substitution at nucleotide position 1684. The methionine at codon 562 is replaced by valine, an amino acid with highly similar properties. This amino acid position is highly conserved in available vertebrate species. In addition, the in silico prediction for this alteration is inconclusive. Based on the available evidence, the clinical significance of this variant remains unclear.

Labcorp Genetics (formerly Invitae), Labcorp
Classification: Uncertain significance. Last evaluated: 2022-11-28. Review status: criteria provided, single submitter. Criteria: Invitae Variant Classification Sherloc (09022015). Collection method: clinical testing. Allele origin: germline.
Comment: In summary, the available evidence is currently insufficient to determine the role of this variant in disease. Therefore, it has been classified as a Variant of Uncertain Significance. Algorithms developed to predict the effect of sequence changes on RNA splicing suggest that this variant may disrupt the consensus splice site. Algorithms developed to predict the effect of missense changes on protein structure and function (SIFT, PolyPhen-2, Align-GVGD) all suggest that this variant is likely to be tolerated. ClinVar contains an entry for this variant (Variation ID: 640800). This variant has not been reported in the literature in individuals affected with POLE-related conditions. This variant is present in population databases (no rsID available, gnomAD 0.003%). This sequence change replaces methionine, which is neutral and non-polar, with valine, which is neutral and non-polar, at codon 562 of the POLE protein (p.Met562Val).

NM_006231.4(POLE):c.1684A>G (p.Met562Val)

Gene: POLE (DNA polymerase epsilon, catalytic subunit; minus strand). Cytogenetic location: 12q24.33.
Variant type: single nucleotide variant.
Coding change: c.1684A>G on transcript NM_006231.4 (MANE Select); coding-DNA position 1684, A replaced by G.
Protein change: p.Met562Val; replaces methionine 562 with valine.
Molecular consequence: missense variant.
Genome position (GRCh38, 1-based): chr12:132,672,629, T>C on the plus strand (A>G on the coding strand, the complement: POLE is on the minus strand). VCF-style: chr12-132672629-T-C. GRCh37 (hg19) VCF-style: chr12-133249215-T-C.
Other names: c.1684A>G (NM_006231.2); short protein forms M562V.
Identifiers: ClinVar variation 640800 (VCV000640800.11), dbSNP rs990959129, ClinGen allele CA246293456.